The following is an entry in ClinVar:

ClinVar aggregate classification (germline): Uncertain significance (1 of 4 stars; one submission).

Conditions:
Hereditary cancer-predisposing syndrome. Also called: Hereditary Cancer Syndrome; Hereditary neoplastic syndrome; Neoplastic Syndromes, Hereditary; Tumor predisposition. Identifiers: Orphanet 140162, MedGen C0027672, MeSH D009386, MONDO:0015356.

Submission:

Ambry Genetics
Classification: Uncertain significance for Hereditary cancer-predisposing syndrome. Last evaluated: 2022-01-21. Review status: criteria provided, single submitter. Criteria: Ambry Variant Classification Scheme 2023. Collection method: clinical testing. Allele origin: germline.
Comment: The p.F199S variant (also known as c.596T>C), located in coding exon 4 of the CHEK2 gene, results from a T to C substitution at nucleotide position 596. The phenylalanine at codon 199 is replaced by serine, an amino acid with highly dissimilar properties. This amino acid position is conserved. In addition, this alteration is predicted to be deleterious by in silico analysis. Since supporting evidence is limited at this time, the clinical significance of this alteration remains unclear.

NM_007194.4(CHEK2):c.596T>C (p.Phe199Ser)

Gene: CHEK2 (checkpoint kinase 2; minus strand). Cytogenetic location: 22q12.1.
Variant type: single nucleotide variant.
Coding change: c.596T>C on transcript NM_007194.4 (MANE Select); coding-DNA position 596, T replaced by C.
Protein change: p.Phe199Ser; replaces phenylalanine 199 with serine.
Molecular consequence: missense variant. On other transcripts: 5 prime UTR variant (2), intron variant (1).
Genome position (GRCh38, 1-based): chr22:28,719,482, A>G on the plus strand (T>C on the coding strand, the complement: CHEK2 is on the minus strand). VCF-style: chr22-28719482-A-G. GRCh37 (hg19) VCF-style: chr22-29115470-A-G.
Other names: c.725T>C, p.Phe242Ser (NM_001005735.3, NM_001438294.1); c.-68T>C (NM_001257387.3, NM_001437942.1); c.689T>C, p.Phe230Ser (NM_001438293.1, NM_001438295.1); c.596T>C, p.Phe199Ser (NM_145862.3); c.482+5404T>C (NM_001349956.3); short protein forms F199S, F242S, F230S.
Identifiers: ClinVar variation 1750784 (VCV001750784.2), dbSNP rs2146007495, ClinGen allele CA411105154.